The following is an entry in ClinVar:

ClinVar aggregate classification (germline): Likely pathogenic (1 of 4 stars; one submission).

Submission:

Labcorp Genetics (formerly Invitae), Labcorp
Classification: Likely pathogenic. Last evaluated: 2021-02-25. Review status: criteria provided, single submitter. Criteria: Invitae Variant Classification Sherloc (09022015). Collection method: clinical testing. Allele origin: germline.
Comment: In summary, the currently available evidence indicates that the variant is pathogenic, but additional data are needed to prove that conclusively. Therefore, this variant has been classified as Likely Pathogenic. This sequence change affects an acceptor splice site in intron 11 of the NPHS1 gene. It is expected to disrupt RNA splicing. Variants that disrupt the donor or acceptor splice site typically lead to a loss of protein function (PMID: 16199547), and loss-of-function variants in NPHS1 are known to be pathogenic (PMID: 11317351, 11854170, 12039988). This variant is not present in population databases (ExAC no frequency). This variant has not been reported in the literature in individuals with NPHS1-related conditions. Algorithms developed to predict the effect of sequence changes on RNA splicing suggest that this variant may disrupt the consensus splice site, but this prediction has not been confirmed by published transcriptional studies.

Literature cited by the submitters: PubMed 16199547; PubMed 11317351; PubMed 11854170; PubMed 12039988.

NM_004646.4(NPHS1):c.1441-1G>T

Gene: NPHS1 (NPHS1 adhesion molecule, nephrin; minus strand). Cytogenetic location: 19q13.12.
Variant type: single nucleotide variant.
Coding change: c.1441-1G>T on transcript NM_004646.4 (MANE Select); the canonical splice acceptor site of the intron before coding-DNA position 1441, G replaced by T.
Molecular consequence: splice acceptor variant.
Genome position (GRCh38, 1-based): chr19:35,846,195, C>A on the plus strand (G>T on the coding strand, the complement: NPHS1 is on the minus strand). VCF-style: chr19-35846195-C-A. GRCh37 (hg19) VCF-style: chr19-36337097-C-A.
Identifiers: ClinVar variation 1520044 (VCV001520044.8), dbSNP rs2146824388, ClinGen allele CA405401131.